The following is an entry in ClinVar:

ClinVar aggregate classification (germline): Uncertain significance (1 of 4 stars; one submission).

Submission:

CeGaT Center for Human Genetics Tuebingen
Classification: Uncertain significance. Last evaluated: 2026-06-01. Review status: criteria provided, single submitter. Criteria: CeGaT Center For Human Genetics Tuebingen Variant Classification Criteria Version 2. Collection method: clinical testing. Allele origin: germline. Affected: yes. Observed: 1 variant allele.
Comment: DNAH11: PM2, PM5

NM_001277115.2(DNAH11):c.4457T>C (p.Leu1486Pro)

Gene: DNAH11 (dynein axonemal heavy chain 11; plus strand). Cytogenetic location: 7p15.3.
Variant type: single nucleotide variant.
Coding change: c.4457T>C on transcript NM_001277115.2 (MANE Select); coding-DNA position 4457, T replaced by C.
Protein change: p.Leu1486Pro; replaces leucine 1486 with proline.
Molecular consequence: missense variant.
Genome position (GRCh38, 1-based): chr7:21,620,035, T>C. VCF-style: chr7-21620035-T-C. GRCh37 (hg19) VCF-style: chr7-21659653-T-C.
Other names: short protein forms L1486P.
Identifiers: ClinVar variation 4875205 (VCV004875205.2).